The following is an entry in ClinVar:

ClinVar aggregate classification (germline): Uncertain significance (1 of 4 stars; one submission).

Allele frequency attached by ClinVar (database versions not stated): ExAC 0.00001; gnomAD exomes 0.00001.
gnomAD v4.1: 7 of 1,613,724 alleles (0.00043%); highest among the groups gnomAD compares: Admixed American, 0.005%; no homozygotes.

Submission:

Labcorp Genetics (formerly Invitae), Labcorp
Classification: Uncertain significance. Last evaluated: 2021-05-27. Review status: criteria provided, single submitter. Criteria: Invitae Variant Classification Sherloc (09022015). Collection method: clinical testing. Allele origin: germline.
Comment: This variant has not been reported in the literature in individuals with GZF1-related conditions. In summary, the available evidence is currently insufficient to determine the role of this variant in disease. Therefore, it has been classified as a Variant of Uncertain Significance. Algorithms developed to predict the effect of missense changes on protein structure and function output the following: SIFT: "Not Available"; PolyPhen-2: "Benign"; Align-GVGD: "Not Available". The leucine amino acid residue is found in multiple mammalian species, suggesting that this missense change does not adversely affect protein function. These predictions have not been confirmed by published functional studies and their clinical significance is uncertain. This variant is present in population databases (rs200302139, ExAC 0.002%). This sequence change replaces serine with leucine at codon 699 of the GZF1 protein (p.Ser699Leu). The serine residue is weakly conserved and there is a large physicochemical difference between serine and leucine.

NM_022482.5(GZF1):c.2096C>T (p.Ser699Leu)

Gene: GZF1 (GDNF inducible zinc finger protein 1; plus strand). Cytogenetic location: 20p11.21.
Variant type: single nucleotide variant.
Coding change: c.2096C>T on transcript NM_022482.5 (MANE Select); coding-DNA position 2096, C replaced by T.
Protein change: p.Ser699Leu; replaces serine 699 with leucine.
Molecular consequence: missense variant. On other transcripts: 3 prime UTR variant (1).
Genome position (GRCh38, 1-based): chr20:23,370,401, C>T. VCF-style: chr20-23370401-C-T. GRCh37 (hg19) VCF-style: chr20-23351038-C-T.
Other names: c.2096C>T, p.Ser699Leu (NM_001317012.2); c.*16C>T (NM_001317019.1); short protein forms S699L.
Identifiers: ClinVar variation 1371384 (VCV001371384.8), dbSNP rs200302139, ClinGen allele CA9788880.